The following is an entry in ClinVar:

NM_052867.4(NALCN):c.3440G>A (p.Gly1147Glu)

Gene: NALCN (sodium leak channel, non-selective; minus strand). Cytogenetic location: 13q32.3.
Variant type: single nucleotide variant.
Coding change: c.3440G>A on transcript NM_052867.4 (MANE Select); coding-DNA position 3440, G replaced by A.
Protein change: p.Gly1147Glu; replaces glycine 1147 with glutamic acid.
Molecular consequence: missense variant.
Genome position (GRCh38, 1-based): chr13:101,089,712, C>T on the plus strand (G>A on the coding strand, the complement: NALCN is on the minus strand). VCF-style: chr13-101089712-C-T. GRCh37 (hg19) VCF-style: chr13-101742063-C-T.
Other names: c.3527G>A, p.Gly1176Glu (NM_001350748.2); c.3440G>A, p.Gly1147Glu (NM_001350749.2); c.3353G>A, p.Gly1118Glu (NM_001350750.2, NM_001350751.2); short protein forms G1118E, G1147E, G1176E.
Identifiers: ClinVar variation 1904701 (VCV001904701.6), dbSNP rs1025438606, ClinGen allele CA255412308.
Genomic context (GRCh38, chr13:101,089,712, plus strand): 5'-AAAATCCTTACCTTGTTTTCATTGAAATTAGCAATAACTACTCCAACAAAAAGGGTCAGT[C>T]CAATCATGCAACCCAGGAATACAAAAACATGAATATAGATTCCATGGATCTGCATAAAGG-3'
Protein context (NP_443099.1, residues 1137-1157): HVFVFLGCMI[Gly1147Glu]LTLFVGVVIA

ClinVar aggregate classification (germline): Uncertain significance. Review status: criteria provided, multiple submitters, no conflicts (2 of 4 stars). 2 submissions from 2 submitters: Uncertain significance (2). Last evaluated 2022-09-01.

Conditions:
Inborn genetic diseases. Identifiers: MedGen C0950123, MeSH D030342.

Allele frequency attached by ClinVar (database versions not stated): gnomAD exomes below 0.00001.
gnomAD v4.1: 3 of 1,614,052 alleles (0.00019%); highest among the groups gnomAD compares: Admixed American, 0.0017%; no homozygotes.

Submissions (2):

Labcorp Genetics (formerly Invitae), Labcorp
Classification: Uncertain significance. Last evaluated: 2022-09-01. Review status: criteria provided, single submitter. Criteria: Invitae Variant Classification Sherloc (09022015). Collection method: clinical testing. Allele origin: germline.
Comment: In summary, the available evidence is currently insufficient to determine the role of this variant in disease. Therefore, it has been classified as a Variant of Uncertain Significance. Advanced modeling of protein sequence and biophysical properties (such as structural, functional, and spatial information, amino acid conservation, physicochemical variation, residue mobility, and thermodynamic stability) performed at Invitae indicates that this missense variant is expected to disrupt NALCN protein function. This variant has not been reported in the literature in individuals affected with NALCN-related conditions. This variant is present in population databases (no rsID available, gnomAD 0.003%). This sequence change replaces glycine, which is neutral and non-polar, with glutamic acid, which is acidic and polar, at codon 1147 of the NALCN protein (p.Gly1147Glu).

Ambry Genetics
Classification: Uncertain significance for Inborn genetic diseases. Last evaluated: 2021-10-06. Review status: criteria provided, single submitter. Criteria: Ambry Variant Classification Scheme 2023. Collection method: clinical testing. Allele origin: germline.